The following is an entry in ClinVar:

ClinVar aggregate classification (germline): Likely benign. Review status: criteria provided, single submitter (1 of 4 stars). 2 submissions from 2 submitters: Likely benign (1). 1 of the submissions does not count toward it. Last evaluated 2024-06-26.

Conditions:
NACC1-related disorder. Also called: NACC1-related condition.

Allele frequency attached by ClinVar (database versions not stated): TOPMed 0.00002.
gnomAD v4.1: 15 of 1,575,012 alleles (0.00095%); highest among the groups gnomAD compares: Admixed American, 0.0056%; no homozygotes.

Submissions (2):

Labcorp Genetics (formerly Invitae), Labcorp
Classification: Likely benign. Last evaluated: 2024-06-26. Review status: criteria provided, single submitter. Criteria: Invitae Variant Classification Sherloc (09022015). Collection method: clinical testing. Allele origin: germline.

PreventionGenetics, part of Exact Sciences
Classification: Likely benign for NACC1-related condition. Last evaluated: 2023-12-18. Review status: no assertion criteria provided. Collection method: clinical testing. Allele origin: germline. Not counted in ClinVar's aggregate classification.
Comment: This variant is classified as likely benign based on ACMG/AMP sequence variant interpretation guidelines (Richards et al. 2015 PMID: 25741868, with internal and published modifications).

NM_052876.4(NACC1):c.711G>A (p.Ala237=)

Gene: NACC1 (nucleus accumbens associated 1; plus strand). Cytogenetic location: 19p13.13.
Variant type: single nucleotide variant.
Coding change: c.711G>A on transcript NM_052876.4 (MANE Select); coding-DNA position 711, G replaced by A.
Protein change: p.Ala237=; no amino-acid change (alanine 237 retained).
Molecular consequence: synonymous variant.
Genome position (GRCh38, 1-based): chr19:13,135,918, G>A. VCF-style: chr19-13135918-G-A. GRCh37 (hg19) VCF-style: chr19-13246732-G-A.
Other names: c.711G>A (NM_052876.3).
Identifiers: ClinVar variation 1949972 (VCV001949972.7), dbSNP rs1049321864, ClinGen allele CA305553140.